The following is an entry in ClinVar:

NM_015450.3(POT1):c.10-2A>C

Gene: POT1 (protection of telomeres 1; minus strand). Cytogenetic location: 7q31.33.
Variant type: single nucleotide variant.
Coding change: c.10-2A>C on transcript NM_015450.3 (MANE Select); the canonical splice acceptor site of the intron before coding-DNA position 10, A replaced by C.
Molecular consequence: splice acceptor variant.
Genome position (GRCh38, 1-based): chr7:124,892,382, T>G on the plus strand (A>C on the coding strand, the complement: POT1 is on the minus strand). VCF-style: chr7-124892382-T-G. GRCh37 (hg19) VCF-style: chr7-124532436-T-G.
Other names: c.-253-2A>C (NM_001042594.2).
Identifiers: ClinVar variation 475014 (VCV000475014.21), dbSNP rs1554434788, ClinGen allele CA369066345.
Genomic context (GRCh38, chr7:124,892,382, plus strand): 5'-ACAATTGTACCACCCTTAAGTTGATTCAGGGGTGTATATATATAATTTGTTGCTGGAACC[T>G]AAAGAAAGAGAAGACAGTGAATACATTTATACAAAGTATTTACATTGTAGAATCATGTTA-3'

ClinVar aggregate classification (germline): Pathogenic/Likely pathogenic. Review status: criteria provided, multiple submitters, no conflicts (2 of 4 stars). 4 submissions from 4 submitters: Pathogenic (2); Likely pathogenic (2). Last evaluated 2026-01-12.

Conditions:
Pulmonary fibrosis and/or bone marrow failure syndrome, telomere-related, 8 (PFBMFT8). Identifiers: MedGen C5830496, MONDO:0957263, OMIM 620367.
Cerebroretinal microangiopathy with calcifications and cysts 3 (CRMCC3). Identifiers: MedGen C5830497, MONDO:0957264, OMIM 620368.
Tumor predisposition syndrome 3 (TPDS3). Also called: LONG TELOMERE SYNDROME, POT1-RELATED; POT1 Tumor Predisposition; Melanoma, cutaneous malignant, susceptibility to, 10; Glioma susceptibility 9. Identifiers: Orphanet 618, MedGen C4014476, MONDO:0014368, OMIM 615848.
Hereditary cancer-predisposing syndrome. Also called: Neoplastic Syndromes, Hereditary; Tumor predisposition; Hereditary neoplastic syndrome; Hereditary Cancer Syndrome. Identifiers: Orphanet 140162, MedGen C0027672, MeSH D009386, MONDO:0015356.

Submissions (4):

Labcorp Genetics (formerly Invitae), Labcorp
Classification: Pathogenic for Tumor predisposition syndrome 3. Last evaluated: 2026-01-12. Review status: criteria provided, single submitter. Criteria: Invitae Variant Classification Sherloc (09022015). Collection method: clinical testing. Allele origin: germline.
Comment: This sequence change affects an acceptor splice site in intron 5 of the POT1 gene. RNA analysis indicates that disruption of this splice site induces altered splicing and may result in an absent or altered protein product. This variant is not present in population databases (gnomAD no frequency). Disruption of this splice site has been observed in individual(s) with clinical features of POT1-related conditions (PMID: 34193977). ClinVar contains an entry for this variant (Variation ID: 475014). Studies have shown that disruption of this splice site results in activation of a cryptic splice site, and produces a non-functional protein and/or introduces a premature termination codon (internal data). For these reasons, this variant has been classified as Pathogenic.

Ambry Genetics
Classification: Likely pathogenic for Hereditary cancer-predisposing syndrome. Last evaluated: 2025-12-17. Review status: criteria provided, single submitter. Criteria: Ambry Variant Classification Scheme 2023. Collection method: clinical testing. Allele origin: germline.
Comment: The c.10-2A>C intronic variant results from an A to C substitution two nucleotides before coding exon 2 in the POT1 gene. This alteration has been observed in at least one individual with a personal and family history that is consistent with POT1-related disease (Ambry internal data). This variant is considered to be rare based on population cohorts in the Genome Aggregation Database (gnomAD). This nucleotide position is highly conserved in available vertebrate species. In silico splice site analysis predicts that this alteration will weaken the native splice acceptor site and will result in the creation or strengthening of a novel splice acceptor site. RNA studies have demonstrated that this alteration results in abnormal splicing in the set of samples tested (Ambry internal data). Alterations that disrupt the canonical splice site are expected to cause aberrant splicing, resulting in an abnormal protein or a transcript that is subject to nonsense-mediated mRNA decay. As such, this alteration is classified as likely pathogenic.

GeneDx
Classification: Pathogenic. Last evaluated: 2025-05-08. Review status: criteria provided, single submitter. Criteria: GeneDx Variant Classification Process June 2021. Collection method: clinical testing. Allele origin: germline.
Comment: Canonical splice site variant predicted to result in a null allele in a gene for which loss of function is a known mechanism of disease; Observed in an individual with myeloproliferative neoplasm, monoclonal B cell lymphocytosis, and intradural meningioma (PMID: 34193977); Not observed at significant frequency in large population cohorts (gnomAD); This variant is associated with the following publications: (PMID: 31937561, 38254993, 34193977, WalshMF2024[Abstract])

Fulgent Genetics
Classification: Likely pathogenic for Tumor predisposition syndrome 3; Pulmonary fibrosis and/or bone marrow failure syndrome, telomere-related, 8; Cerebroretinal microangiopathy with calcifications and cysts 3. Last evaluated: 2024-03-07. Review status: criteria provided, single submitter. Criteria: ACMG Guidelines, 2015. Collection method: clinical testing. Allele origin: germline.

Literature cited by the submitters: PubMed 34193977 (cited by Labcorp Genetics (formerly Invitae), Labcorp).